The following is an entry in ClinVar:

NM_001113491.2(SEPTIN9):c.1153G>A (p.Asp385Asn)

Gene: SEPTIN9 (septin 9; plus strand). Cytogenetic location: 17q25.3.
Variant type: single nucleotide variant.
Coding change: c.1153G>A on transcript NM_001113491.2 (MANE Select); coding-DNA position 1153, G replaced by A.
Protein change: p.Asp385Asn; replaces aspartic acid 385 with asparagine.
Molecular consequence: missense variant.
Genome position (GRCh38, 1-based): chr17:77,488,755, G>A. VCF-style: chr17-77488755-G-A. GRCh37 (hg19) VCF-style: chr17-75484837-G-A.
Other names: c.661G>A, p.Asp221Asn (NM_001113492.2, NM_001113494.1); c.1132G>A, p.Asp378Asn (NM_001113493.2); c.400G>A, p.Asp134Asn (NM_001113495.2, NM_001113496.2, NM_001293697.2 and 1 more transcripts); c.1096G>A, p.Asp366Asn (NM_001293695.2); c.481G>A, p.Asp161Asn (NM_001293696.2); c.1099G>A, p.Asp367Asn (NM_006640.5); short protein forms D134N, D366N, D161N, D378N, D221N, D367N, D385N.
Identifiers: ClinVar variation 3672492 (VCV003672492.2).
Genomic context (GRCh38, chr17:77,488,755, plus strand): 5'-TGCCTGCTGACTCGTCCCCATCCCCCACGCAGCTGGCAGCCCATCATGAAGTTCATCAAT[G>A]ACCAGTACGAGAAATACCTGCAGGAGGAGGTCAACATCAACCGCAAGAAGCGCATCCCGG-3'
Protein context (NP_001106963.1, residues 375-395): CWQPIMKFIN[Asp385Asn]QYEKYLQEEV

ClinVar aggregate classification (germline): Uncertain significance (1 of 4 stars; one submission).

Submission:

Labcorp Genetics (formerly Invitae), Labcorp
Classification: Uncertain significance. Last evaluated: 2024-10-23. Review status: criteria provided, single submitter. Criteria: Invitae Variant Classification Sherloc (09022015). Collection method: clinical testing. Allele origin: germline.
Comment: This sequence change replaces aspartic acid, which is acidic and polar, with asparagine, which is neutral and polar, at codon 367 of the SEPT9 protein (p.Asp367Asn). This variant is not present in population databases (gnomAD no frequency). This variant has not been reported in the literature in individuals affected with SEPT9-related conditions. Invitae Evidence Modeling of protein sequence and biophysical properties (such as structural, functional, and spatial information, amino acid conservation, physicochemical variation, residue mobility, and thermodynamic stability) indicates that this missense variant is not expected to disrupt SEPT9 protein function with a negative predictive value of 80%. In summary, the available evidence is currently insufficient to determine the role of this variant in disease. Therefore, it has been classified as a Variant of Uncertain Significance.